The following is an entry in ClinVar:

ClinVar aggregate classification (germline): Benign/Likely benign. Review status: criteria provided, multiple submitters, no conflicts (2 of 4 stars). 7 submissions from 7 submitters: Benign (3); Likely benign (3). 1 of the submissions does not count toward it. Last evaluated 2026-01-22.

Conditions:
Hereditary cancer-predisposing syndrome. Also called: Neoplastic Syndromes, Hereditary; Tumor predisposition; Hereditary Cancer Syndrome; Hereditary neoplastic syndrome. Identifiers: Orphanet 140162, MedGen C0027672, MeSH D009386, MONDO:0015356.
Tuberous sclerosis 1 (TSC1). Identifiers: Orphanet 805, MedGen C1854465, MONDO:0008612, OMIM 191100.
Tuberous sclerosis syndrome (TSC). Also called: Tuberous Sclerosis Complex; Tuberous sclerosis. Identifiers: Orphanet 805, MedGen C0041341, MONDO:0001734.

Allele frequency attached by ClinVar (database versions not stated): gnomAD 0.00001; TOPMed 0.00001; ExAC 0.00002; gnomAD exomes 0.00002 and 0.00003.
gnomAD v4.1: 44 of 1,614,022 alleles (0.0027%); highest among the groups gnomAD compares: South Asian, 0.0044%; no homozygotes.

Submissions (7):

Labcorp Genetics (formerly Invitae), Labcorp
Classification: Benign for Tuberous sclerosis 1. Last evaluated: 2026-01-22. Review status: criteria provided, single submitter. Criteria: Invitae Variant Classification Sherloc (09022015). Collection method: clinical testing. Allele origin: germline.

Myriad Genetics, Inc.
Classification: Benign for Tuberous sclerosis 1. Last evaluated: 2025-04-08. Review status: criteria provided, single submitter. Criteria: Myriad Autosomal Dominant, Autosomal Recessive and X-Linked Classification Criteria (2023). Collection method: clinical testing. Allele origin: unknown.
Comment: This variant is considered benign. This variant is a silent/synonymous amino acid change and it is not expected to impact splicing.

All of Us Research Program, National Institutes of Health
Classification: Likely benign for Tuberous sclerosis syndrome. Last evaluated: 2024-02-05. Review status: criteria provided, single submitter. Criteria: ACMG Guidelines, 2015. Collection method: clinical testing. Allele origin: germline. Inheritance: Autosomal dominant inheritance. Observed: 6 variant alleles, 6 heterozygotes.
Comment: This study involves interpretation of variants in research participants for the purpose of population health screening. Participant phenotype was not available at the time of variant classification. Additional details can be found in publication PMID: 35346344, PMCID: PMC8962531

Genome-Nilou Lab
Classification: Benign for Tuberous sclerosis 1. Last evaluated: 2021-11-07. Review status: criteria provided, single submitter. Criteria: ACMG Guidelines, 2015. Collection method: clinical testing. Allele origin: germline. Affected: no.

GeneDx
Classification: Likely benign. Last evaluated: 2018-08-31. Review status: criteria provided, single submitter. Criteria: GeneDx Variant Classification Process June 2021. Collection method: clinical testing. Allele origin: germline. Affected: yes.
Comment: This variant is associated with the following publications: (PMID: 10363127, 9924605)

Ambry Genetics
Classification: Likely benign for Hereditary cancer-predisposing syndrome. Last evaluated: 2018-01-02. Review status: criteria provided, single submitter. Criteria: Ambry Variant Classification Scheme 2023. Collection method: clinical testing. Allele origin: germline.

Tuberous sclerosis database (TSC1)
No classification provided. Condition: TSC. Review status: no classification provided. Criteria: Tuberous Sclerosis Database Assertion Criteria 2015. Collection method: curation. Allele origin: germline. Affected: yes. Not counted in ClinVar's aggregate classification.

NM_000368.5(TSC1):c.555C>T (p.Tyr185=)

Gene: TSC1 (TSC complex subunit 1; minus strand). Cytogenetic location: 9q34.13.
Variant type: single nucleotide variant.
Coding change: c.555C>T on transcript NM_000368.5 (MANE Select); coding-DNA position 555, C replaced by T.
Protein change: p.Tyr185=; no amino-acid change (tyrosine 185 retained).
Molecular consequence: synonymous variant.
Genome position (GRCh38, 1-based): chr9:132,921,927, G>A on the plus strand (C>T on the coding strand, the complement: TSC1 is on the minus strand). VCF-style: chr9-132921927-G-A. GRCh37 (hg19) VCF-style: chr9-135797314-G-A.
Other names: c.555C>T, p.Tyr185= (NM_001162426.2); c.402C>T, p.Tyr134= (NM_001162427.2); c.192C>T, p.Tyr64= (NM_001362177.2).
Identifiers: ClinVar variation 49055 (VCV000049055.20), dbSNP rs118203398, ClinGen allele CA007733.
Genomic context (GRCh38, chr9:132,921,927, plus strand): 5'-AGAACGCAAAAAGGAGACGAAGTTGCAAGGGTACATTCCATAAAGGCGATGAAAGAGTGC[G>A]TACACACTGGCATGGAGATGGACGAGATAGACTTCCGCCACGTGGCCTAGAAAAGGAACC-3'
Protein context (NP_000359.1, residues 175-195): VYLVHLHASV[Tyr185=]ALFHRLYGMY